The following is an entry in ClinVar:

ClinVar aggregate classification (germline): Uncertain significance. Review status: criteria provided, multiple submitters, no conflicts (2 of 4 stars). 3 submissions from 3 submitters: Uncertain significance (3). Last evaluated 2025-08-15.

Allele frequency attached by ClinVar (database versions not stated): gnomAD exomes below 0.00001.
gnomAD v4.1: 2 of 1,551,292 alleles (0.00013%); highest among the groups gnomAD compares: Non-Finnish European, 0.00017%; no homozygotes.

Submissions (3):

Labcorp Genetics (formerly Invitae), Labcorp
Classification: Uncertain significance. Last evaluated: 2025-08-15. Review status: criteria provided, single submitter. Criteria: Invitae Variant Classification Sherloc (09022015). Collection method: clinical testing. Allele origin: germline.
Comment: This sequence change replaces asparagine, which is neutral and polar, with aspartic acid, which is acidic and polar, at codon 465 of the TBR1 protein (p.Asn465Asp). This variant is not present in population databases (gnomAD no frequency). This variant has not been reported in the literature in individuals affected with TBR1-related conditions. ClinVar contains an entry for this variant (Variation ID: 1685162). Invitae Evidence Modeling of protein sequence and biophysical properties (such as structural, functional, and spatial information, amino acid conservation, physicochemical variation, residue mobility, and thermodynamic stability) indicates that this missense variant is not expected to disrupt TBR1 protein function with a negative predictive value of 80%. In summary, the available evidence is currently insufficient to determine the role of this variant in disease. Therefore, it has been classified as a Variant of Uncertain Significance.

Dasa
Classification: Uncertain significance. Last evaluated: 2024-10-15. Review status: criteria provided, single submitter. Criteria: DASA Assertion Criteria. Collection method: clinical testing. Allele origin: germline.
Comment: NM_006593.4(TBR1):c.1393A>G (p.Asn465Asp) is a missense variant that results in the substitution of asparagine with aspartic acid. The variant is present at low frequency in population datasets. Based on the available data, this variant is classified as variant of uncertain significance.

Mendelics
Classification: Uncertain significance. Last evaluated: 2022-05-04. Review status: criteria provided, single submitter. Criteria: Mendelics Assertion Criteria 2019. Collection method: clinical testing. Allele origin: germline.

NM_006593.4(TBR1):c.1393A>G (p.Asn465Asp)

Gene: TBR1 (T-box brain transcription factor 1; plus strand). Cytogenetic location: 2q24.2.
Variant type: single nucleotide variant.
Coding change: c.1393A>G on transcript NM_006593.4 (MANE Select); coding-DNA position 1393, A replaced by G.
Protein change: p.Asn465Asp; replaces asparagine 465 with aspartic acid.
Molecular consequence: missense variant.
Genome position (GRCh38, 1-based): chr2:161,423,571, A>G. VCF-style: chr2-161423571-A-G. GRCh37 (hg19) VCF-style: chr2-162280082-A-G.
Other names: short protein forms N465D.
Identifiers: ClinVar variation 1685162 (VCV001685162.3), dbSNP rs890226439, ClinGen allele CA59552788.
Genomic context (GRCh38, chr2:161,423,571, plus strand): 5'-TTCCACCCGGGCGCGGGCGCGGGCCCCGGGCCGGGTACGGACCGCAGCGTGCCGCACACC[A>G]ACGGGCTGCTGTCGCCGCAGCAGGCCGAGGACCCGGGCGCGCCCTCGCCGCAACGCTGGT-3'
Protein context (NP_006584.1, residues 455-475): PGTDRSVPHT[Asn465Asp]GLLSPQQAED